The following is an entry in ClinVar:

ClinVar aggregate classification (germline): Uncertain significance. Review status: criteria provided, multiple submitters, no conflicts (2 of 4 stars). 2 submissions from 2 submitters: Uncertain significance (2). Last evaluated 2023-11-19.

Conditions:
Autosomal dominant nonsyndromic hearing loss 23. Identifiers: Orphanet 90635, MedGen C1854594, MONDO:0011519, OMIM 605192.
Branchiootic syndrome 3 (BOS3). Also called: BO SYNDROME 3. Identifiers: MedGen C1842124, MONDO:0012025, OMIM 608389.

Allele frequency attached by ClinVar (database versions not stated): TOPMed below 0.00001.
gnomAD v4.1: 2 of 1,614,078 alleles (0.00012%); highest among the groups gnomAD compares: Non-Finnish European, 0.00017%; no homozygotes.

Submissions (2):

Labcorp Genetics (formerly Invitae), Labcorp
Classification: Uncertain significance for Autosomal dominant nonsyndromic hearing loss 23; Branchiootic syndrome 3. Last evaluated: 2023-11-19. Review status: criteria provided, single submitter. Criteria: Invitae Variant Classification Sherloc (09022015). Collection method: clinical testing. Allele origin: germline.
Comment: This sequence change replaces serine, which is neutral and polar, with leucine, which is neutral and non-polar, at codon 230 of the SIX1 protein (p.Ser230Leu). This variant is not present in population databases (gnomAD no frequency). This variant has not been reported in the literature in individuals affected with SIX1-related conditions. ClinVar contains an entry for this variant (Variation ID: 2164655). Advanced modeling of protein sequence and biophysical properties (such as structural, functional, and spatial information, amino acid conservation, physicochemical variation, residue mobility, and thermodynamic stability) performed at Invitae indicates that this missense variant is not expected to disrupt SIX1 protein function with a negative predictive value of 80%. In summary, the available evidence is currently insufficient to determine the role of this variant in disease. Therefore, it has been classified as a Variant of Uncertain Significance.

Juno Genomics, Hangzhou Juno Genomics, Inc
Classification: Uncertain significance for Branchiootic syndrome 3; Autosomal dominant nonsyndromic hearing loss 23. Review status: criteria provided, single submitter. Criteria: ACMG Guidelines, 2015. Collection method: clinical testing. Allele origin: germline.
Comment: Absent from controls (or at extremely low frequency if recessive) in Genome Aggregation Database.

NM_005982.4(SIX1):c.689C>T (p.Ser230Leu)

Gene: SIX1 (SIX homeobox 1; minus strand). Cytogenetic location: 14q23.1.
Variant type: single nucleotide variant.
Coding change: c.689C>T on transcript NM_005982.4 (MANE Select); coding-DNA position 689, C replaced by T.
Protein change: p.Ser230Leu; replaces serine 230 with leucine.
Molecular consequence: missense variant.
Genome position (GRCh38, 1-based): chr14:60,646,449, G>A on the plus strand (C>T on the coding strand, the complement: SIX1 is on the minus strand). VCF-style: chr14-60646449-G-A. GRCh37 (hg19) VCF-style: chr14-61113167-G-A.
Other names: short protein forms S230L.
Identifiers: ClinVar variation 2164655 (VCV002164655.6), dbSNP rs918862160, ClinGen allele CA261720658.
Genomic context (GRCh38, chr14:60,646,449, plus strand): 5'-CCCGGGAGAGAATAGTTTGAGCTCCTGGCGTGGCCCATATTGCCCTGCAGCAGAAGGACC[G>A]AGTTCTGGTCTGGACTTTGGGGAGGTGAGAATTCCTCTTCTGAGCTGGACATGAGCGGCT-3'
Protein context (NP_005973.1, residues 220-240): FSPPQSPDQN[Ser230Leu]VLLLQGNMGH